The following is an entry in ClinVar:

NM_001386795.1(DTNA):c.452T>C (p.Ile151Thr)

Gene: DTNA (dystrobrevin alpha; plus strand). Cytogenetic location: 18q12.1.
Variant type: single nucleotide variant.
Coding change: c.452T>C on transcript NM_001386795.1 (MANE Select); coding-DNA position 452, T replaced by C.
Protein change: p.Ile151Thr; replaces isoleucine 151 with threonine.
Molecular consequence: missense variant.
Genome position (GRCh38, 1-based): chr18:34,811,962, T>C. VCF-style: chr18-34811962-T-C. GRCh37 (hg19) VCF-style: chr18-32391926-T-C.
Other names: c.452T>C, p.Ile151Thr (NM_001128175.2, NM_001198938.2, NM_001198939.2 and 35 more transcripts); short protein forms I151T.
Identifiers: ClinVar variation 4977805 (VCV004977805.1).

ClinVar aggregate classification (germline): Uncertain significance (1 of 4 stars; one submission).

Conditions:
DTNA-related disorder. Also called: DTNA-related condition.

gnomAD v4.1: 2 of 1,614,012 alleles (0.00012%); no homozygotes.

Submission:

PreventionGenetics, part of Exact Sciences
Classification: Uncertain significance for DTNA-related condition. Last evaluated: 2026-04-12. Review status: criteria provided, single submitter. Criteria: ACMG Guidelines, 2015. Collection method: clinical testing. Allele origin: germline.
Comment: The DTNA c.452T>C variant is predicted to result in the amino acid substitution p.Ile151Thr. To our knowledge, this variant has not been reported in the literature or in a large population database (gnomAD), indicating this variant is rare. At this time, the clinical significance of this variant is uncertain due to the absence of conclusive functional and genetic evidence.